The following is an entry in ClinVar:

NM_000218.3(KCNQ1):c.160ATCGCGCCC[3] (p.Pro56_Gly57insIleAlaProIleAlaPro)

Gene: KCNQ1 (potassium voltage-gated channel subfamily Q member 1; plus strand). Cytogenetic location: 11p15.5.
Variant type: Microsatellite.
Coding change: c.160ATCGCGCCC[3] on transcript NM_000218.3 (MANE Select); three copies in a row of the 9-base unit ATCGCGCCC starting at c.160.
Protein change: p.Pro56_Gly57insIleAlaProIleAlaPro.
Molecular consequence: inframe insertion. On other transcripts: inframe indel (4).
Genome position: GRCh38 VCF-style: chr11-2445250-A-ACGCGCCCATCGCGCCCAT. GRCh37 (hg19) VCF-style: chr11-2466480-A-ACGCGCCCATCGCGCCCAT.
Other names: c.160_168ATCGCGCCC[3], p.Pro56_Gly57insIleAlaProIleAlaPro (NM_000218.2, NM_001406836.1, NM_001406838.1); c.-203_-195ATCGCGCCC[3] (NM_001406837.1); c.168_169insATCGCGCCCATCGCGCCC (NM_000218.2).
Identifiers: ClinVar variation 1777892 (VCV001777892.2), dbSNP rs397515877, ClinGen allele CA918805507.

ClinVar aggregate classification (germline): Uncertain significance (1 of 4 stars; one submission).

Conditions:
Cardiovascular phenotype. Identifiers: MedGen CN230736.

Submission:

Ambry Genetics
Classification: Uncertain significance for Cardiovascular phenotype. Last evaluated: 2021-09-13. Review status: criteria provided, single submitter. Criteria: Ambry Variant Classification Scheme 2023. Collection method: clinical testing. Allele origin: germline.
Comment: The c.168_169ins18 variant (also known as p.P56_G57insIAPIAP), located in coding exon 1 of the KCNQ1 gene, results from an in-frame 18 nucleotide insertion at nucleotide positions 168 to 169. This results in the insertion of 6 extra residues between codons 56 and 57. This amino acid region is not well conserved in available vertebrate species. In addition, this alteration is predicted to be neutral by in silico analysis (Choi Y et al. PLoS ONE. 2012; 7(10):e46688). Since supporting evidence is limited at this time, the clinical significance of this alteration remains unclear.